The following is an entry in ClinVar:

NM_000088.4(COL1A1):c.2397dup (p.Gly800fs)

Gene: COL1A1 (collagen type I alpha 1 chain; minus strand). Cytogenetic location: 17q21.33.
Variant type: Duplication.
Coding change: c.2397dup on transcript NM_000088.4 (MANE Select); coding-DNA position 2397, one base duplicated (C; older notation c.2397dupC).
Protein change: p.Gly800fs; shifts the reading frame from glycine 800.
Molecular consequence: frameshift variant.
Genome position (GRCh38, 1-based): chr17:50,190,543, G duplicated on the plus strand (C on the coding strand, the reverse complement: COL1A1 is on the minus strand); the first of 5 consecutive G bases (chr17:50,190,543-50,190,547); duplicating any one gives the same sequence. VCF-style (leftmost placement, unchanged base first): chr17-50190542-C-CG. GRCh37 (hg19) VCF-style: chr17-48267903-C-CG.
Other names: c.2397dupC (NM_000088.3); c.2397dup (NM_000088.3); short protein forms G800fs.
Identifiers: ClinVar variation 1702103 (VCV001702103.6), dbSNP rs1906989648, ClinGen allele CA2580094260.

ClinVar aggregate classification (germline): Pathogenic/Likely pathogenic. Review status: criteria provided, multiple submitters, no conflicts (2 of 4 stars). 3 submissions from 3 submitters: Pathogenic (2); Likely pathogenic (1). Last evaluated 2024-06-04.

Conditions:
Osteogenesis imperfecta (OI). Identifiers: Orphanet 666, MedGen C0029434, MeSH D010013, MONDO:0019019.
Osteogenesis imperfecta type I (OI1). Also called: OSTEOGENESIS IMPERFECTA TARDA; OSTEOGENESIS IMPERFECTA WITH BLUE SCLERAE; Osteogenesis imperfecta type 1; Lobstein's Disease; Classic Non-deforming Osteogenesis Imperfecta with Blue Sclerae; OI, TYPE I. Identifiers: Orphanet 216796, Orphanet 666, MedGen C0023931, MONDO:0008146, OMIM 166200. Disease mechanism: loss of function.

Submissions (3):

GeneDx
Classification: Pathogenic. Last evaluated: 2024-06-04. Review status: criteria provided, single submitter. Criteria: GeneDx Variant Classification Process June 2021. Collection method: clinical testing. Allele origin: germline. Affected: yes.
Comment: Not observed at significant frequency in large population cohorts (gnomAD); Frameshift variant predicted to result in protein truncation or nonsense mediated decay in a gene for which loss of function is a known mechanism of disease; This variant is associated with the following publications: (PMID: 31447884, 23529829)

Centre of Medical Genetics, University Hospital Muenster
Classification: Pathogenic for Osteogenesis imperfecta type I. Last evaluated: 2023-04-12. Review status: criteria provided, single submitter. Criteria: ACMG Guidelines, 2015. Collection method: clinical testing. Allele origin: unknown. Affected: yes. Observed: 1 variant allele, 1 heterozygote.
Comment: ACMG categories: PVS1,PM2,PP5

Genome Diagnostics Laboratory, The Hospital for Sick Children
Classification: Likely pathogenic for Osteogenesis imperfecta. Last evaluated: 2021-08-21. Review status: criteria provided, single submitter. Criteria: ACMG Guidelines, 2015. Collection method: clinical testing. Allele origin: germline.